The following is an entry in ClinVar:

NM_001379286.1(ZNF423):c.2748C>A (p.Asp916Glu)

Gene: ZNF423 (zinc finger protein 423; minus strand). Cytogenetic location: 16q12.1.
Variant type: single nucleotide variant.
Coding change: c.2748C>A on transcript NM_001379286.1 (MANE Select); coding-DNA position 2748, C replaced by A.
Protein change: p.Asp916Glu; replaces aspartic acid 916 with glutamic acid.
Molecular consequence: missense variant.
Genome position (GRCh38, 1-based): chr16:49,636,428, G>T on the plus strand (C>A on the coding strand, the complement: ZNF423 is on the minus strand). VCF-style: chr16-49636428-G-T. GRCh37 (hg19) VCF-style: chr16-49670339-G-T.
Other names: c.2544C>A, p.Asp848Glu (NM_001271620.2); c.2373C>A, p.Asp791Glu (NM_001330533.2); c.2724C>A, p.Asp908Glu (NM_015069.5); short protein forms D848E, D916E, D791E, D908E.
Identifiers: ClinVar variation 1473346 (VCV001473346.6), dbSNP rs2151882386, ClinGen allele CA395841623.
Genomic context (GRCh38, chr16:49,636,428, plus strand): 5'-GCCCTTGATAAACTCAGCCTTCTTGCGTGAGCCATCATCCTCGCCCGGCCGGATATTGTG[G>T]TCCCGCAGCCGGTGATTCTGCAGCAGCACCTCCATGGTGTAGGCCGCCCCACAGATGTCA-3'
Protein context (NP_001366215.1, residues 906-926): EVLLQNHRLR[Asp916Glu]HNIRPGEDDG

ClinVar aggregate classification (germline): Uncertain significance (1 of 4 stars; one submission).

Conditions:
Nephronophthisis 14 (NPHP14). Identifiers: Orphanet 2318, MedGen C3539071, MONDO:0013916, OMIM 614844.

Submission:

Labcorp Genetics (formerly Invitae), Labcorp
Classification: Uncertain significance for Nephronophthisis 14. Last evaluated: 2021-09-23. Review status: criteria provided, single submitter. Criteria: Invitae Variant Classification Sherloc (09022015). Collection method: clinical testing. Allele origin: germline.
Comment: Algorithms developed to predict the effect of missense changes on protein structure and function are either unavailable or do not agree on the potential impact of this missense change (SIFT: "Tolerated"; PolyPhen-2: "Possibly Damaging"; Align-GVGD: "Class C0"). In summary, the available evidence is currently insufficient to determine the role of this variant in disease. Therefore, it has been classified as a Variant of Uncertain Significance. This variant has not been reported in the literature in individuals affected with ZNF423-related conditions. This variant is not present in population databases (ExAC no frequency). This sequence change replaces aspartic acid with glutamic acid at codon 908 of the ZNF423 protein (p.Asp908Glu). The aspartic acid residue is highly conserved and there is a small physicochemical difference between aspartic acid and glutamic acid.